The following is an entry in ClinVar:

ClinVar aggregate classification (germline): Uncertain significance (1 of 4 stars; one submission).

Submission:

Dasa
Classification: Uncertain significance. Last evaluated: 2026-02-24. Review status: criteria provided, single submitter. Criteria: DASA Assertion Criteria. Collection method: clinical testing. Allele origin: germline.
Comment: NM_001018005.2(TPM1):c.417A>C (p.Glu139Asp) is a missense variant that results in the substitution of glutamic acid with aspartic acid. The affected residue or protein region has prior evidence supporting clinical relevance. This variant is rare in population databases. Computational prediction algorithms are consistent with a deleterious effect. The currently available literature and clinical evidence are not sufficient to establish a definitive association between this variant and the reported condition. Therefore, this variant is classified as a variant of uncertain significance.

NM_001018005.2(TPM1):c.417A>C (p.Glu139Asp)

Gene: TPM1 (tropomyosin 1; plus strand). Cytogenetic location: 15q22.2.
Variant type: single nucleotide variant.
Coding change: c.417A>C on transcript NM_001018005.2 (MANE Select); coding-DNA position 417, A replaced by C.
Protein change: p.Glu139Asp; replaces glutamic acid 139 with aspartic acid.
Molecular consequence: missense variant. On other transcripts: non-coding transcript variant (17).
Genome position (GRCh38, 1-based): chr15:63,059,605, A>C. VCF-style: chr15-63059605-A-C. GRCh37 (hg19) VCF-style: chr15-63351804-A-C.
Other names: c.417A>C, p.Glu139Asp (NM_000366.6, NM_001365776.1, NM_001365777.1 and 20 more transcripts); c.309A>C, p.Glu103Asp (NM_001330351.2, NM_001365780.1, NM_001365781.2 and 9 more transcripts); c.543A>C, p.Glu181Asp (NM_001365778.1, NM_001407322.1, NM_001407323.1 and 1 more transcripts); short protein forms E103D, E139D, E181D.
Identifiers: ClinVar variation 4885862 (VCV004885862.2).